The following is an entry in ClinVar:

NM_001364905.1(LRBA):c.6325C>T (p.Pro2109Ser)

Gene: LRBA (LPS responsive beige-like anchor protein; minus strand). Cytogenetic location: 4q31.3.
Variant type: single nucleotide variant.
Coding change: c.6325C>T on transcript NM_001364905.1 (MANE Select); coding-DNA position 6325, C replaced by T.
Protein change: p.Pro2109Ser; replaces proline 2109 with serine.
Molecular consequence: missense variant.
Genome position (GRCh38, 1-based): chr4:150,588,053, G>A on the plus strand (C>T on the coding strand, the complement: LRBA is on the minus strand). VCF-style: chr4-150588053-G-A. GRCh37 (hg19) VCF-style: chr4-151509205-G-A.
Other names: c.6325C>T, p.Pro2109Ser (NM_001199282.3, NM_001367550.1); c.6358C>T, p.Pro2120Ser (NM_006726.5); short protein forms P2120S, P2109S.
Identifiers: ClinVar variation 2318937 (VCV002318937.5), dbSNP rs781045122, ClinGen allele CA3102152.

ClinVar aggregate classification (germline): Uncertain significance. Review status: criteria provided, multiple submitters, no conflicts (2 of 4 stars). 2 submissions from 2 submitters: Uncertain significance (2). Last evaluated 2024-04-17.

Conditions:
Inborn genetic diseases. Identifiers: MedGen C0950123, MeSH D030342.
Combined immunodeficiency due to LRBA deficiency. Also called: Common variable immunodeficiency 8, with autoimmunity. Identifiers: Orphanet 445018, MedGen C3553512, MONDO:0013863, OMIM 614700.

Allele frequency attached by ClinVar (database versions not stated): gnomAD exomes 0.00001; ExAC 0.00002; TOPMed 0.00002.

Submissions (2):

Labcorp Genetics (formerly Invitae), Labcorp
Classification: Uncertain significance for Combined immunodeficiency due to LRBA deficiency. Last evaluated: 2024-04-17. Review status: criteria provided, single submitter. Criteria: Invitae Variant Classification Sherloc (09022015). Collection method: clinical testing. Allele origin: germline.
Comment: This sequence change replaces proline, which is neutral and non-polar, with serine, which is neutral and polar, at codon 2120 of the LRBA protein (p.Pro2120Ser). This variant is present in population databases (rs781045122, gnomAD 0.01%). This variant has not been reported in the literature in individuals affected with LRBA-related conditions. ClinVar contains an entry for this variant (Variation ID: 2318937). Advanced modeling of protein sequence and biophysical properties (such as structural, functional, and spatial information, amino acid conservation, physicochemical variation, residue mobility, and thermodynamic stability) performed at Invitae indicates that this missense variant is not expected to disrupt LRBA protein function with a negative predictive value of 80%. In summary, the available evidence is currently insufficient to determine the role of this variant in disease. Therefore, it has been classified as a Variant of Uncertain Significance.

Ambry Genetics
Classification: Uncertain significance for Inborn genetic diseases. Last evaluated: 2022-10-25. Review status: criteria provided, single submitter. Criteria: Ambry Variant Classification Scheme 2023. Collection method: clinical testing. Allele origin: germline.